The following is an entry in ClinVar:

ClinVar aggregate classification (germline): Uncertain significance. Review status: criteria provided, multiple submitters, no conflicts (2 of 4 stars). 5 submissions from 4 submitters: Uncertain significance (5). Last evaluated 2024-10-17.

Conditions:
Autosomal recessive nonsyndromic hearing loss 12. Also called: DEAFNESS, AUTOSOMAL RECESSIVE 12. Identifiers: Orphanet 90636, MedGen C1832394, MONDO:0011067, OMIM 601386.
Usher syndrome type 1D (USH1D). Also called: USHER SYNDROME, TYPE ID. Identifiers: Orphanet 231169, Orphanet 886, MedGen C1832845, MONDO:0010984, OMIM 601067.
Pituitary adenoma 5, multiple types. Identifiers: MedGen C4539685, MONDO:0054601, OMIM 617540.

Allele frequency attached by ClinVar (database versions not stated): gnomAD 0.00001 and 0.00002; TOPMed 0.00002; gnomAD exomes 0.00004 and 0.00005; ExAC 0.00006; ESP Exome Variant Server 0.00008; 1000 Genomes Project 0.00020; 1000 Genomes Project 30x 0.00031.
gnomAD v4.1: 67 of 1,611,868 alleles (0.0042%); highest among the groups gnomAD compares: Non-Finnish European, 0.0052%; no homozygotes.

Submissions (5):

Mayo Clinic Laboratories, Mayo Clinic
Classification: Uncertain significance. Last evaluated: 2024-10-17. Review status: criteria provided, single submitter. Criteria: ACMG Guidelines, 2015. Collection method: clinical testing. Allele origin: germline. Observed: 1 variant allele.
Comment: BP4, PM2_supporting

Labcorp Genetics (formerly Invitae), Labcorp
Classification: Uncertain significance. Last evaluated: 2024-09-06. Review status: criteria provided, single submitter. Criteria: Invitae Variant Classification Sherloc (09022015). Collection method: clinical testing. Allele origin: germline.
Comment: This sequence change replaces arginine, which is basic and polar, with glutamine, which is neutral and polar, at codon 536 of the CDH23 protein (p.Arg536Gln). This variant is present in population databases (rs376414013, gnomAD 0.008%). This variant has not been reported in the literature in individuals affected with CDH23-related conditions. ClinVar contains an entry for this variant (Variation ID: 300407). Invitae Evidence Modeling of protein sequence and biophysical properties (such as structural, functional, and spatial information, amino acid conservation, physicochemical variation, residue mobility, and thermodynamic stability) indicates that this missense variant is not expected to disrupt CDH23 protein function with a negative predictive value of 95%. In summary, the available evidence is currently insufficient to determine the role of this variant in disease. Therefore, it has been classified as a Variant of Uncertain Significance.

Fulgent Genetics
Classification: Uncertain significance for Usher syndrome type 1D; Autosomal recessive nonsyndromic hearing loss 12; Pituitary adenoma 5, multiple types. Last evaluated: 2021-10-30. Review status: criteria provided, single submitter. Criteria: ACMG Guidelines, 2015. Collection method: clinical testing. Allele origin: unknown.

Illumina Laboratory Services, Illumina
Classification: Uncertain significance for Autosomal recessive nonsyndromic hearing loss 12. Last evaluated: 2018-01-13. Review status: criteria provided, single submitter. Criteria: ICSL Variant Classification Criteria 13 December 2019. Collection method: clinical testing. Allele origin: germline.

Illumina Laboratory Services, Illumina
Classification: Uncertain significance for Usher syndrome type 1D. Last evaluated: 2018-01-13. Review status: criteria provided, single submitter. Criteria: ICSL Variant Classification Criteria 13 December 2019. Collection method: clinical testing. Allele origin: germline.

NM_022124.6(CDH23):c.1607G>A (p.Arg536Gln)

Gene: CDH23 (cadherin related 23; plus strand). Cytogenetic location: 10q22.1.
Variant type: single nucleotide variant.
Coding change: c.1607G>A on transcript NM_022124.6 (MANE Select); coding-DNA position 1607, G replaced by A.
Protein change: p.Arg536Gln; replaces arginine 536 with glutamine.
Molecular consequence: missense variant.
Genome position (GRCh38, 1-based): chr10:71,677,548, G>A. VCF-style: chr10-71677548-G-A. GRCh37 (hg19) VCF-style: chr10-73437305-G-A.
Other names: p.Arg536Gln; c.1607G>A, p.Arg536Gln (NM_001171930.2, NM_001171931.2); short protein forms R536Q.
Identifiers: ClinVar variation 300407 (VCV000300407.9), dbSNP rs376414013, ClinGen allele CA5543903.